The following is an entry in ClinVar:

ClinVar aggregate classification (germline): Likely benign (1 of 4 stars; one submission).

Allele frequency attached by ClinVar (database versions not stated): gnomAD exomes below 0.00001.
gnomAD v4.1: 2 of 1,614,188 alleles (0.00012%); highest among the groups gnomAD compares: East Asian, 0.0045%; no homozygotes.

Submission:

CeGaT Center for Human Genetics Tuebingen
Classification: Likely benign. Last evaluated: 2023-04-01. Review status: criteria provided, single submitter. Criteria: CeGaT Center For Human Genetics Tuebingen Variant Classification Criteria Version 2. Collection method: clinical testing. Allele origin: germline. Affected: yes. Observed: 2 variant alleles.
Comment: BAZ1B: BP4, BP7

NM_032408.4(BAZ1B):c.4035G>A (p.Leu1345=)

Gene: BAZ1B (bromodomain adjacent to zinc finger domain 1B; minus strand). Cytogenetic location: 7q11.23.
Variant type: single nucleotide variant.
Coding change: c.4035G>A on transcript NM_032408.4 (MANE Select); coding-DNA position 4035, G replaced by A.
Protein change: p.Leu1345=; no amino-acid change (leucine 1345 retained).
Molecular consequence: synonymous variant.
Genome position (GRCh38, 1-based): chr7:73,442,784, C>T on the plus strand (G>A on the coding strand, the complement: BAZ1B is on the minus strand). VCF-style: chr7-73442784-C-T. GRCh37 (hg19) VCF-style: chr7-72857114-C-T.
Other names: c.4035G>A, p.Leu1345= (NM_001370402.1).
Identifiers: ClinVar variation 2657552 (VCV002657552.24), dbSNP rs1554565480, ClinGen allele CA455852898.